The following is an entry in ClinVar:

NM_001365276.2(TNXB):c.619G>A (p.Gly207Ser)

Gene: TNXB (tenascin XB; minus strand). Cytogenetic location: 6p21.33.
Variant type: single nucleotide variant.
Coding change: c.619G>A on transcript NM_001365276.2 (MANE Select); coding-DNA position 619, G replaced by A.
Protein change: p.Gly207Ser; replaces glycine 207 with serine.
Molecular consequence: missense variant.
Genome position (GRCh38, 1-based): chr6:32,097,234, C>T on the plus strand (G>A on the coding strand, the complement: TNXB is on the minus strand). VCF-style: chr6-32097234-C-T. GRCh37 (hg19) VCF-style: chr6-32065011-C-T.
Other names: p.Gly207Ser; c.619G>A, p.Gly207Ser (NM_019105.8); short protein forms G207S.
Identifiers: ClinVar variation 1194896 (VCV001194896.18), dbSNP rs139154852, ClinGen allele CA3735818.

ClinVar aggregate classification (germline): Conflicting classifications of pathogenicity. Review status: criteria provided, conflicting classifications (1 of 4 stars). 6 submissions from 6 submitters: Uncertain significance (5); Likely benign (1). Last evaluated 2026-10-12.

Conditions:
Cardiovascular phenotype. Identifiers: MedGen CN230736.
TNXB-related disorder. Also called: TNXB-related condition.

Allele frequency attached by ClinVar (database versions not stated): ExAC 0.00033; 1000 Genomes Project 0.00100; gnomAD exomes 0.00010 and 0.00021; gnomAD 0.00035; ESP Exome Variant Server 0.00016; TOPMed 0.00038; 1000 Genomes Project 30x 0.00078.
gnomAD v4.1: 219 of 1,604,970 alleles (0.014%); highest among the groups gnomAD compares: African/African-American, 0.12%; 2 homozygotes.

Submissions (6):

GeneDx
Classification: Uncertain significance. Last evaluated: 2026-10-12. Review status: criteria provided, single submitter. Criteria: GeneDx Variant Classification Process June 2021. Collection method: clinical testing. Allele origin: germline.
Comment: Identified in a patient with primary vesicoureteral reflux in published literature (PMID: 26408188); In silico analysis supports that this missense variant has a deleterious effect on protein structure/function; This variant is associated with the following publications: (PMID: 26408188)

Women's Health and Genetics/Laboratory Corporation of America, LabCorp
Classification: Likely benign. Last evaluated: 2026-04-21. Review status: criteria provided, single submitter. Criteria: LabCorp Variant Classification Summary - May 2015. Collection method: clinical testing. Allele origin: germline.
Comment: Variant summary: TNXB c.619G>A (p.Gly207Ser) results in a non-conservative amino acid change located in the EGF-like domain (IPR000742) of the encoded protein sequence. Algorithms developed to predict the effect of missense changes on protein structure and function are either unavailable or do not agree on the potential impact of this missense change. The variant allele was found at a frequency of 0.00021 in 231250 control chromosomes, predominantly at a frequency of 0.0013 within the African or African-American subpopulation in the gnomAD database. The observed variant frequency within African or African-American control individuals in the gnomAD database exceeds the estimated maximal expected allele frequency for disease-causing variants in TNXB. c.619G>A has been observed in individual(s) affected with Ehlers-Danlos-like syndrome. These report(s) do not provide unequivocal conclusions about association of the variant with Ehlers-Danlos-like syndrome. To our knowledge, no experimental evidence demonstrating an impact on protein function has been reported. ClinVar contains an entry for this variant (Variation ID: 1194896). Based on the evidence outlined above, the variant was classified as likely benign.

Mayo Clinic Laboratories, Mayo Clinic
Classification: Uncertain significance. Last evaluated: 2025-09-09. Review status: criteria provided, single submitter. Criteria: ACMG Guidelines, 2015. Collection method: clinical testing. Allele origin: germline. Observed: 3 variant alleles.
Comment: PP1

PreventionGenetics, part of Exact Sciences
Classification: Uncertain significance for TNXB-related condition. Last evaluated: 2025-05-12. Review status: criteria provided, single submitter. Criteria: ACMG Guidelines, 2015. Collection method: clinical testing. Allele origin: germline.
Comment: The TNXB c.619G>A variant is predicted to result in the amino acid substitution p.Gly207Ser. This variant was reported in an individual with vesicoureteral reflux (Elahi et al. 2016. PubMed ID: 26408188). This variant is reported in 0.13% of alleles in individuals of African descent in gnomAD. At this time, the clinical significance of this variant is uncertain due to the absence of conclusive functional and genetic evidence.

Blueprint Genetics
Classification: Uncertain significance. Last evaluated: 2024-11-12. Review status: criteria provided, single submitter. Criteria: ACMG Guidelines, 2015. Collection method: clinical testing. Allele origin: germline.

Ambry Genetics
Classification: Uncertain significance for Cardiovascular phenotype. Last evaluated: 2022-12-20. Review status: criteria provided, single submitter. Criteria: Ambry Variant Classification Scheme 2023. Collection method: clinical testing. Allele origin: germline.
Comment: The p.G207S variant (also known as c.619G>A), located in coding exon 2 of the TNXB gene, results from a G to A substitution at nucleotide position 619. The glycine at codon 207 is replaced by serine, an amino acid with similar properties. This variant was reported in a familial primary vesicoureteric reflux case; however, joint hypermobility was not assessed in this individual (Elahi S et al. Pediatr. Nephrol., 2016 Feb;31:247-53). This amino acid position is highly conserved in available vertebrate species. In addition, this alteration is predicted to be tolerated by in silico analysis. Since supporting evidence is limited at this time, the clinical significance of this alteration remains unclear.

Literature cited by the submitters: PubMed 26408188 (cited by 3 submitters).